The following is an entry in ClinVar:

ClinVar aggregate classification (germline): Conflicting classifications of pathogenicity. Review status: criteria provided, conflicting classifications (1 of 4 stars). 2 submissions from 2 submitters: Uncertain significance (1); Likely benign (1). Last evaluated 2025-06-24.

Conditions:
Malignant hyperthermia, susceptibility to, 1 (MHS1). Also called: RYR1-Related Malignant Hyperthermia Susceptibility; Anesthesia related hyperthermia; Malignant hyperpyrexia; Fulminating hyperpyrexia; Pharmacogenic myopathy; Malignant hyperthermia suceptibility 1. Identifiers: Orphanet 423, MedGen C2930980, MONDO:0007783, OMIM 145600.

Submissions (2):

Color Diagnostics, LLC DBA Color Health
Classification: Uncertain significance for Malignant hyperthermia, susceptibility to, 1. Last evaluated: 2025-06-24. Review status: criteria provided, single submitter. Criteria: ACMG Guidelines, 2015. Collection method: clinical testing. Allele origin: germline.
Comment: This variant causes the deletion of 2 nucleotides at positions +6 and +7 in intron 55 of the RYR1 gene. To our knowledge, functional studies have not been reported for this variant. This variant has not been reported in individuals affected with RYR1-related disorders in the literature. This variant has been identified in 1/251446 chromosomes in the general population by the Genome Aggregation Database (gnomAD). The available evidence is insufficient to determine the role of this variant in disease conclusively. Therefore, this variant is classified as a Variant of Uncertain Significance.

Blueprint Genetics
Classification: Likely benign. Last evaluated: 2023-05-17. Review status: criteria provided, single submitter. Criteria: ACMG Guidelines, 2015. Collection method: clinical testing. Allele origin: germline.

NM_000540.3(RYR1):c.8616+6_8616+7del

Genes: RYR1 (ryanodine receptor 1; plus strand), LOC126862902 (BRD4-independent group 4 enhancer GRCh37_chr19:38995830-38997029; plus strand). Cytogenetic location: 19q13.2.
Variant type: Microsatellite.
Coding change: c.8616+6_8616+7del on transcript NM_000540.3 (MANE Select); bases 6 to 7 of the intron after coding-DNA position 8616, 2 bases deleted (AG; older notation c.8616+6_8616+7delAG).
Molecular consequence: intron variant.
Genome position (GRCh38, 1-based): chr19:38,506,383-38,506,384, AG deleted; deleting any 2 consecutive bases within chr19:38,506,380-38,506,384 gives the same sequence; the c. name uses the placement nearest the transcript's 3' end. VCF-style (leftmost placement, unchanged base first): chr19-38506379-TGA-T. GRCh37 (hg19) VCF-style: chr19-38997019-TGA-T.
Other names: c.8616+6_8616+7del (NM_001042723.2).
Identifiers: ClinVar variation 4756814 (VCV004756814.2).